The following is an entry in ClinVar:

NM_004304.5(ALK):c.517C>G (p.Leu173Val)

Gene: ALK (ALK receptor tyrosine kinase; minus strand). Cytogenetic location: 2p23.1.
Variant type: single nucleotide variant.
Coding change: c.517C>G on transcript NM_004304.5 (MANE Select); coding-DNA position 517, C replaced by G.
Protein change: p.Leu173Val; replaces leucine 173 with valine.
Molecular consequence: missense variant.
Genome position (GRCh38, 1-based): chr2:29,920,143, G>C on the plus strand (C>G on the coding strand, the complement: ALK is on the minus strand). VCF-style: chr2-29920143-G-C. GRCh37 (hg19) VCF-style: chr2-30143009-G-C.
Other names: short protein forms L173V.
Identifiers: ClinVar variation 1415520 (VCV001415520.8), dbSNP rs760343255, ClinGen allele CA346589891.

ClinVar aggregate classification (germline): Uncertain significance. Review status: criteria provided, multiple submitters, no conflicts (2 of 4 stars). 2 submissions from 2 submitters: Uncertain significance (2). Last evaluated 2022-07-26.

Conditions:
Hereditary cancer-predisposing syndrome. Also called: Hereditary neoplastic syndrome; Neoplastic Syndromes, Hereditary; Hereditary Cancer Syndrome; Tumor predisposition. Identifiers: Orphanet 140162, MedGen C0027672, MeSH D009386, MONDO:0015356.
Neuroblastoma, susceptibility to, 3. Also called: ALK-Related Neuroblastic Tumor Susceptibility. Identifiers: Orphanet 635, MedGen C2751681, MONDO:0013083, OMIM 613014.

gnomAD v4.1: 1 of 1,613,894 alleles (0.000062%); highest among the groups gnomAD compares: Non-Finnish European, 0.000085%; no homozygotes.

Submissions (2):

Ambry Genetics
Classification: Uncertain significance for Hereditary cancer-predisposing syndrome. Last evaluated: 2022-07-26. Review status: criteria provided, single submitter. Criteria: Ambry Variant Classification Scheme 2023. Collection method: clinical testing. Allele origin: germline.
Comment: The p.L173V variant (also known as c.517C>G), located in coding exon 1 of the ALK gene, results from a C to G substitution at nucleotide position 517. The leucine at codon 173 is replaced by valine, an amino acid with highly similar properties. This amino acid position is conserved. In addition, this alteration is predicted to be tolerated by in silico analysis. Since supporting evidence is limited at this time, the clinical significance of this alteration remains unclear.

Labcorp Genetics (formerly Invitae), Labcorp
Classification: Uncertain significance for Neuroblastoma, susceptibility to, 3. Last evaluated: 2021-11-19. Review status: criteria provided, single submitter. Criteria: Invitae Variant Classification Sherloc (09022015). Collection method: clinical testing. Allele origin: germline.
Comment: In summary, the available evidence is currently insufficient to determine the role of this variant in disease. Therefore, it has been classified as a Variant of Uncertain Significance. Algorithms developed to predict the effect of sequence changes on RNA splicing suggest that this variant may create or strengthen a splice site. Algorithms developed to predict the effect of missense changes on protein structure and function are either unavailable or do not agree on the potential impact of this missense change (SIFT: "Deleterious"; PolyPhen-2: "Benign"; Align-GVGD: "Class C0"). This variant has not been reported in the literature in individuals affected with ALK-related conditions. This variant is not present in population databases (gnomAD no frequency). This sequence change replaces leucine, which is neutral and non-polar, with valine, which is neutral and non-polar, at codon 173 of the ALK protein (p.Leu173Val).